The following is an entry in ClinVar:

ClinVar aggregate classification (germline): Conflicting classifications of pathogenicity. Review status: criteria provided, conflicting classifications (1 of 4 stars). 5 submissions from 5 submitters: Uncertain significance (4); Likely benign (1). Last evaluated 2024-05-16.

Conditions:
Hereditary breast ovarian cancer syndrome. Also called: Hereditary breast and ovarian cancer; Hereditary breast and ovarian cancer syndrome (HBOC); Hereditary breast and/or ovarian cancer syndrome; Breast and ovarian cancer; Hereditary breast and ovarian cancer syndrome; BRCA1- and BRCA2-Associated Hereditary Breast and Ovarian Cancer. Identifiers: Orphanet 145, MedGen C0677776, MeSH D061325, MONDO:0003582. Disease mechanism: loss of function.
Hereditary cancer-predisposing syndrome. Also called: Tumor predisposition; Neoplastic Syndromes, Hereditary; Hereditary neoplastic syndrome; Hereditary Cancer Syndrome. Identifiers: Orphanet 140162, MedGen C0027672, MeSH D009386, MONDO:0015356.

Submissions (5):

Labcorp Genetics (formerly Invitae), Labcorp
Classification: Uncertain significance for Hereditary breast ovarian cancer syndrome. Last evaluated: 2024-05-16. Review status: criteria provided, single submitter. Criteria: Invitae Variant Classification Sherloc (09022015). Collection method: clinical testing. Allele origin: germline.
Comment: This sequence change replaces arginine, which is basic and polar, with leucine, which is neutral and non-polar, at codon 504 of the BRCA1 protein (p.Arg504Leu). This variant is not present in population databases (gnomAD no frequency). This variant has not been reported in the literature in individuals affected with BRCA1-related conditions. ClinVar contains an entry for this variant (Variation ID: 921759). Advanced modeling of protein sequence and biophysical properties (such as structural, functional, and spatial information, amino acid conservation, physicochemical variation, residue mobility, and thermodynamic stability) performed at Invitae indicates that this missense variant is not expected to disrupt BRCA1 protein function with a negative predictive value of 95%. In summary, the available evidence is currently insufficient to determine the role of this variant in disease. Therefore, it has been classified as a Variant of Uncertain Significance.

University of Washington Department of Laboratory Medicine, University of Washington
Classification: Likely benign for Hereditary cancer-predisposing syndrome. Last evaluated: 2023-03-23. Review status: criteria provided, single submitter. Criteria: Dines et al. (Genet Med. 2020). Collection method: curation. Allele origin: germline.
Comment: Missense variant in a coldspot region where missense variants are very unlikely to be pathogenic (PMID:31911673).

BRCA1 coldspot (exon 11 using historical exon numbering). Reclassification based on statistical prior probability

Blueprint Genetics
Classification: Uncertain significance. Last evaluated: 2022-10-24. Review status: criteria provided, single submitter. Criteria: ACMG Guidelines, 2015. Collection method: clinical testing. Allele origin: germline.

Ambry Genetics
Classification: Uncertain significance for Hereditary cancer-predisposing syndrome. Last evaluated: 2022-03-12. Review status: criteria provided, single submitter. Criteria: Ambry Variant Classification Scheme 2023. Collection method: clinical testing. Allele origin: germline.
Comment: The p.R504L variant (also known as c.1511G>T), located in coding exon 9 of the BRCA1 gene, results from a G to T substitution at nucleotide position 1511. The arginine at codon 504 is replaced by leucine, an amino acid with dissimilar properties. This amino acid position is conserved. In addition, the in silico prediction for this alteration is inconclusive. Since supporting evidence is limited at this time, the clinical significance of this alteration remains unclear.

Color Diagnostics, LLC DBA Color Health
Classification: Uncertain significance for Hereditary cancer-predisposing syndrome. Last evaluated: 2019-04-23. Review status: criteria provided, single submitter. Criteria: ACMG Guidelines, 2015. Collection method: clinical testing. Allele origin: germline.

NM_007294.4(BRCA1):c.1511G>T (p.Arg504Leu)

Gene: BRCA1 (BRCA1 DNA repair associated; minus strand). Cytogenetic location: 17q21.31.
Variant type: single nucleotide variant.
Coding change: c.1511G>T on transcript NM_007294.4 (MANE Select); coding-DNA position 1511, G replaced by T.
Protein change: p.Arg504Leu; replaces arginine 504 with leucine.
Molecular consequence: missense variant. On other transcripts: intron variant (137).
Genome position (GRCh38, 1-based): chr17:43,094,020, C>A on the plus strand (G>T on the coding strand, the complement: BRCA1 is on the minus strand). VCF-style: chr17-43094020-C-A. GRCh37 (hg19) VCF-style: chr17-41246037-C-A.
Other names: c.1298G>T, p.Arg433Leu (NM_001407571.1, NM_001407853.1, NM_001407894.1 and 9 more transcripts); c.1511G>T, p.Arg504Leu (NM_001407581.1, NM_001407582.1, NM_001407583.1 and 30 more transcripts); c.1508G>T, p.Arg503Leu (NM_001407587.1, NM_001407590.1, NM_001407591.1 and 22 more transcripts); c.1502G>T, p.Arg501Leu (NM_001407646.1, NM_001407647.1); c.1388G>T, p.Arg463Leu (NM_001407648.1, NM_001407664.1, NM_001407665.1 and 19 more transcripts); c.1385G>T, p.Arg462Leu (NM_001407649.1, NM_001407670.1, NM_001407671.1 and 11 more transcripts); c.1433G>T, p.Arg478Leu (NM_001407653.1, NM_001407654.1, NM_001407655.1 and 4 more transcripts); c.1430G>T, p.Arg477Leu (NM_001407659.1, NM_001407660.1, NM_001407661.1 and 1 more transcripts); and 40 more; short protein forms R457L, R504L, R377L, R436L, R456L, R463L, R478L, R501L.
Identifiers: ClinVar variation 921759 (VCV000921759.10), dbSNP rs56272539, ClinGen allele CA10599021.